The following is an entry in ClinVar:

NM_201384.3(PLEC):c.13631_13632del (p.Ser4544fs)

Gene: PLEC (plectin; minus strand). Cytogenetic location: 8q24.3.
Variant type: Deletion.
Coding change: c.13631_13632del on transcript NM_201384.3 (MANE Select); coding-DNA positions 13631 to 13632, 2 bases deleted (CT; older notation c.13631_13632delCT).
Protein change: p.Ser4544fs; shifts the reading frame from serine 4544.
Molecular consequence: frameshift variant.
Genome position (GRCh38, 1-based): chr8:143,916,189-143,916,190, AG deleted on the plus strand (CT on the coding strand, the reverse complement: PLEC is on the minus strand); deleting any 2 consecutive bases within chr8:143,916,189-143,916,191 gives the same sequence; the c. name uses the placement nearest the transcript's 3' end. VCF-style (leftmost placement, unchanged base first): chr8-143916188-CAG-C. GRCh37 (hg19) VCF-style: chr8-144990356-CAG-C.
Other names: c.13712_13713del, p.Ser4571fs (NM_000445.5); c.13589_13590del, p.Ser4530fs (NM_201378.4); c.13565_13566del, p.Ser4522fs (NM_201379.3); c.14042_14043del, p.Ser4681fs (NM_201380.4); c.13535_13536del, p.Ser4512fs (NM_201381.3); c.13631_13632del, p.Ser4544fs (NM_201382.4); c.13643_13644del, p.Ser4548fs (NM_201383.3); short protein forms S4512fs, S4530fs, S4544fs, S4548fs, S4571fs, S4522fs, S4681fs.
Identifiers: ClinVar variation 1440833 (VCV001440833.4), dbSNP rs1563914919, ClinGen allele CA586158178.

ClinVar aggregate classification (germline): Uncertain significance (1 of 4 stars; one submission).

Conditions:
Epidermolysis bullosa simplex 5B, with muscular dystrophy (EBS5B). Also called: EPIDERMOLYSIS BULLOSA SIMPLEX AND LIMB-GIRDLE MUSCULAR DYSTROPHY; Epidermolysis bullosa simplex with muscular dystrophy. Identifiers: Orphanet 257, MedGen C2931072, MONDO:0009181, OMIM 226670.
Epidermolysis bullosa simplex 5C, with pyloric atresia (EBS5C). Also called: Epidermolysis bullosa simplex with pyloric atresia; PLEC-Related Epidermolysis Bullosa with Pyloric Atresia; PLEC1-Related Epidermolysis Bullosa with Pyloric Atresia. Identifiers: Orphanet 158684, MedGen C2677349, MONDO:0012807, OMIM 612138.
Autosomal recessive limb-girdle muscular dystrophy type 2Q (LGMDR17). Also called: MUSCULAR DYSTROPHY, LIMB-GIRDLE, AUTOSOMAL RECESSIVE 17. Identifiers: Orphanet 254361, MedGen C3150989, MONDO:0013390, OMIM 613723.
Epidermolysis bullosa simplex with nail dystrophy (EBS5D). Identifiers: MedGen C4225309, MONDO:0014661, OMIM 616487.
Epidermolysis bullosa simplex, Ogna type (EBS5A). Also called: Pidermolysis bullosa simplex 5A, Ogna type; EPIDERMOLYSIS BULLOSA SIMPLEX 5A, OGNA TYPE. Identifiers: Orphanet 79401, MedGen C0432317, MONDO:0007555, OMIM 131950.

Submission:

Labcorp Genetics (formerly Invitae), Labcorp
Classification: Uncertain significance for Autosomal recessive limb-girdle muscular dystrophy type 2Q; Epidermolysis bullosa simplex, Ogna type; Epidermolysis bullosa simplex with nail dystrophy; Epidermolysis bullosa simplex 5C, with pyloric atresia; Epidermolysis bullosa simplex 5B, with muscular dystrophy. Last evaluated: 2023-11-10. Review status: criteria provided, single submitter. Criteria: Invitae Variant Classification Sherloc (09022015). Collection method: clinical testing. Allele origin: germline.
Comment: This sequence change results in a frameshift in the PLEC gene (p.Ser4571Cysfs*40). While this is not anticipated to result in nonsense mediated decay, it is expected to disrupt the last 4 amino acid(s) of the PLEC protein and extend the protein by 35 additional amino acid residues. This variant is present in population databases (no rsID available, gnomAD 0.007%). This variant has not been reported in the literature in individuals affected with PLEC-related conditions. ClinVar contains an entry for this variant (Variation ID: 1440833). Experimental studies and prediction algorithms are not available or were not evaluated, and the functional significance of this variant is currently unknown. In summary, the available evidence is currently insufficient to determine the role of this variant in disease. Therefore, it has been classified as a Variant of Uncertain Significance.